The following is an entry in ClinVar:

NM_018699.4(PRDM5):c.800_806dup (p.Cys269Ter)

Gene: PRDM5 (PR/SET domain 5; minus strand). Cytogenetic location: 4q27.
Variant type: Duplication.
Coding change: c.800_806dup on transcript NM_018699.4 (MANE Select); coding-DNA positions 800 to 806, 7 bases duplicated (ACAGCTG; older notation c.800_806dupACAGCTG).
Protein change: p.Cys269Ter; replaces cysteine 269 with a stop codon.
Molecular consequence: nonsense.
Genome position (GRCh38, 1-based): chr4:120,816,512-120,816,518, CAGCTGT duplicated on the plus strand (ACAGCTG on the coding strand, the reverse complement: PRDM5 is on the minus strand); duplicating any 7 consecutive bases within chr4:120,816,512-120,816,522 gives the same sequence; the c. name uses the placement nearest the transcript's 3' end. VCF-style (leftmost placement, unchanged base first): chr4-120816511-A-ACAGCTGT. GRCh37 (hg19) VCF-style: chr4-121737666-A-ACAGCTGT.
Other names: c.707_713dup, p.Cys238Ter (NM_001300823.2, NM_001300824.2, NM_001379106.1); c.800_806dup, p.Cys269Ter (NM_001379104.1); short protein forms C269*, C238*.
Identifiers: ClinVar variation 4749945 (VCV004749945.1).
Genomic context (GRCh38, chr4:120,816,511, plus strand): 5'-ACCAGTGTGGACATTTTCCTGGTGTCTTTTCAGGGCATCCTTGCTCTTCAGCCTCTTTCC[A>ACAGCTGT]CAGCTGTCAGCCTTGCACACAAACCTGGCATCCCCCCGGCAAGTCTCCTGGTGCTGCTCA-3'

ClinVar aggregate classification (germline): Pathogenic (1 of 4 stars; one submission).

Submission:

Labcorp Genetics (formerly Invitae), Labcorp
Classification: Pathogenic. Last evaluated: 2026-01-28. Review status: criteria provided, single submitter. Criteria: Invitae Variant Classification Sherloc (09022015). Collection method: clinical testing. Allele origin: germline.
Comment: This sequence change creates a premature translational stop signal (p.Cys269*) in the PRDM5 gene. It is expected to result in an absent or disrupted protein product. Loss-of-function variants in PRDM5 are known to be pathogenic (PMID: 21664999, 26395458). This variant is not present in population databases (gnomAD no frequency). This variant has not been reported in the literature in individuals affected with PRDM5-related conditions. For these reasons, this variant has been classified as Pathogenic.

Literature cited by the submitters: PubMed 21664999; PubMed 26395458.